The following is an entry in ClinVar:

ClinVar aggregate classification (germline): Uncertain significance. Review status: criteria provided, multiple submitters, no conflicts (2 of 4 stars). 2 submissions from 2 submitters: Uncertain significance (2). Last evaluated 2025-08-25.

Conditions:
Hereditary cancer-predisposing syndrome. Also called: Hereditary neoplastic syndrome; Neoplastic Syndromes, Hereditary; Tumor predisposition; Hereditary Cancer Syndrome. Identifiers: Orphanet 140162, MedGen C0027672, MeSH D009386, MONDO:0015356.
Tuberous sclerosis 2 (TSC2). Identifiers: Orphanet 805, MedGen C1860707, MONDO:0013199, OMIM 613254.

gnomAD v4.1: 5 of 1,599,726 alleles (0.00031%); highest among the groups gnomAD compares: Non-Finnish European, 0.00043%; no homozygotes.

Submissions (2):

Labcorp Genetics (formerly Invitae), Labcorp
Classification: Uncertain significance for Tuberous sclerosis 2. Last evaluated: 2025-08-25. Review status: criteria provided, single submitter. Criteria: Invitae Variant Classification Sherloc (09022015). Collection method: clinical testing. Allele origin: germline.
Comment: This sequence change replaces leucine, which is neutral and non-polar, with valine, which is neutral and non-polar, at codon 303 of the TSC2 protein (p.Leu303Val). This variant is not present in population databases (gnomAD no frequency). This variant has not been reported in the literature in individuals affected with TSC2-related conditions. ClinVar contains an entry for this variant (Variation ID: 1004114). Invitae Evidence Modeling of protein sequence and biophysical properties (such as structural, functional, and spatial information, amino acid conservation, physicochemical variation, residue mobility, and thermodynamic stability) indicates that this missense variant is not expected to disrupt TSC2 protein function with a negative predictive value of 95%. In summary, the available evidence is currently insufficient to determine the role of this variant in disease. Therefore, it has been classified as a Variant of Uncertain Significance.

Ambry Genetics
Classification: Uncertain significance for Hereditary cancer-predisposing syndrome. Last evaluated: 2024-05-11. Review status: criteria provided, single submitter. Criteria: Ambry Variant Classification Scheme 2023. Collection method: clinical testing. Allele origin: germline.
Comment: The p.L303V variant (also known as c.907C>G), located in coding exon 9 of the TSC2 gene, results from a C to G substitution at nucleotide position 907. The leucine at codon 303 is replaced by valine, an amino acid with highly similar properties. This amino acid position is highly conserved in available vertebrate species. In addition, the in silico prediction for this alteration is inconclusive. Since supporting evidence is limited at this time, the clinical significance of this alteration remains unclear.

NM_000548.5(TSC2):c.907C>G (p.Leu303Val)

Gene: TSC2 (TSC complex subunit 2; plus strand). Cytogenetic location: 16p13.3.
Variant type: single nucleotide variant.
Coding change: c.907C>G on transcript NM_000548.5 (MANE Select); coding-DNA position 907, C replaced by G.
Protein change: p.Leu303Val; replaces leucine 303 with valine.
Molecular consequence: missense variant.
Genome position (GRCh38, 1-based): chr16:2,058,805, C>G. VCF-style: chr16-2058805-C-G. GRCh37 (hg19) VCF-style: chr16-2108806-C-G.
Other names: c.907C>G, p.Leu303Val (NM_021055.3, NM_001077183.3, NM_001114382.3 and 3 more transcripts); c.796C>G, p.Leu266Val (NM_001318827.2); c.760C>G, p.Leu254Val (NM_001318829.2); c.307C>G, p.Leu103Val (NM_001318831.2); c.940C>G, p.Leu314Val (NM_001318832.2); short protein forms L103V, L254V, L266V, L303V, L314V.
Identifiers: ClinVar variation 1004114 (VCV001004114.11), dbSNP rs1060500943, ClinGen allele CA394315300.